The following is an entry in ClinVar:

NM_152703.5(SAMD9L):c.1031G>A (p.Arg344Lys)

Gene: SAMD9L (sterile alpha motif domain containing 9 like; minus strand). Cytogenetic location: 7q21.2.
Variant type: single nucleotide variant.
Coding change: c.1031G>A on transcript NM_152703.5 (MANE Select); coding-DNA position 1031, G replaced by A.
Protein change: p.Arg344Lys; replaces arginine 344 with lysine.
Molecular consequence: missense variant.
Genome position (GRCh38, 1-based): chr7:93,134,941, C>T on the plus strand (G>A on the coding strand, the complement: SAMD9L is on the minus strand). VCF-style: chr7-93134941-C-T. GRCh37 (hg19) VCF-style: chr7-92764254-C-T.
Other names: c.1031G>A, p.Arg344Lys (NM_001303496.3, NM_001303497.3, NM_001303498.3 and 5 more transcripts); short protein forms R344K.
Identifiers: ClinVar variation 3792499 (VCV003792499.2).

ClinVar aggregate classification (germline): Uncertain significance. Review status: criteria provided, multiple submitters, no conflicts (2 of 4 stars). 2 submissions from 2 submitters: Uncertain significance (2). Last evaluated 2025-12-23.

Conditions:
Inborn genetic diseases. Identifiers: MedGen C0950123, MeSH D030342.

gnomAD v4.1: 1 of 1,613,642 alleles (0.000062%); highest among the groups gnomAD compares: African/African-American, 0.0013%; no homozygotes.

Submissions (2):

Labcorp Genetics (formerly Invitae), Labcorp
Classification: Uncertain significance. Last evaluated: 2025-12-23. Review status: criteria provided, single submitter. Criteria: Invitae Variant Classification Sherloc (09022015). Collection method: clinical testing. Allele origin: germline.
Comment: This sequence change replaces arginine, which is basic and polar, with lysine, which is basic and polar, at codon 344 of the SAMD9L protein (p.Arg344Lys). This variant is not present in population databases (gnomAD no frequency). This variant has not been reported in the literature in individuals affected with SAMD9L-related conditions. ClinVar contains an entry for this variant (Variation ID: 3792499). Invitae Evidence Modeling of protein sequence and biophysical properties (such as structural, functional, and spatial information, amino acid conservation, physicochemical variation, residue mobility, and thermodynamic stability) indicates that this missense variant is not expected to disrupt SAMD9L protein function with a negative predictive value of 80%. In summary, the available evidence is currently insufficient to determine the role of this variant in disease. Therefore, it has been classified as a Variant of Uncertain Significance.

Ambry Genetics
Classification: Uncertain significance for Inborn genetic diseases. Last evaluated: 2025-03-06. Review status: criteria provided, single submitter. Criteria: Ambry Variant Classification Scheme 2023. Collection method: clinical testing. Allele origin: germline.
Comment: The p.R344K variant (also known as c.1031G>A), located in coding exon 1 of the SAMD9L gene, results from a G to A substitution at nucleotide position 1031. The arginine at codon 344 is replaced by lysine, an amino acid with highly similar properties. This amino acid position is conserved. In addition, this alteration is predicted to be tolerated by in silico analysis. Based on the available evidence, the clinical significance of this variant remains unclear.